The following is an entry in ClinVar:

ClinVar aggregate classification (germline): Uncertain significance. Review status: criteria provided, multiple submitters, no conflicts (2 of 4 stars). 2 submissions from 2 submitters: Uncertain significance (2). Last evaluated 2023-07-29.

Conditions:
Neurodevelopmental disorder and structural brain anomalies with or without seizures and spasticity. Identifiers: MedGen C5394423, MONDO:0030046, OMIM 618890.

Allele frequency attached by ClinVar (database versions not stated): gnomAD 0.00001; TOPMed 0.00002; ExAC 0.00003; ESP Exome Variant Server 0.00008.

Submissions (2):

Revvity Omics, Revvity
Classification: Uncertain significance for Neurodevelopmental disorder and structural brain anomalies with or without seizures and spasticity. Last evaluated: 2023-07-29. Review status: criteria provided, single submitter. Criteria: ACMG Guidelines, 2015. Collection method: clinical testing. Allele origin: germline.

Labcorp Genetics (formerly Invitae), Labcorp
Classification: Uncertain significance. Last evaluated: 2022-05-29. Review status: criteria provided, single submitter. Criteria: Invitae Variant Classification Sherloc (09022015). Collection method: clinical testing. Allele origin: germline.
Comment: This sequence change replaces histidine, which is basic and polar, with glutamine, which is neutral and polar, at codon 253 of the PTPN23 protein (p.His253Gln). This variant is present in population databases (rs139838618, gnomAD 0.004%). This variant has not been reported in the literature in individuals affected with PTPN23-related conditions. Algorithms developed to predict the effect of missense changes on protein structure and function are either unavailable or do not agree on the potential impact of this missense change (SIFT: "Deleterious"; PolyPhen-2: "Not Available"; Align-GVGD: "Class C0"). In summary, the available evidence is currently insufficient to determine the role of this variant in disease. Therefore, it has been classified as a Variant of Uncertain Significance.

NM_015466.4(PTPN23):c.759T>A (p.His253Gln)

Gene: PTPN23 (protein tyrosine phosphatase non-receptor type 23; plus strand). Cytogenetic location: 3p21.31.
Variant type: single nucleotide variant.
Coding change: c.759T>A on transcript NM_015466.4 (MANE Select); coding-DNA position 759, T replaced by A.
Protein change: p.His253Gln; replaces histidine 253 with glutamine.
Molecular consequence: missense variant.
Genome position (GRCh38, 1-based): chr3:47,406,612, T>A. VCF-style: chr3-47406612-T-A. GRCh37 (hg19) VCF-style: chr3-47448102-T-A.
Other names: c.381T>A, p.His127Gln (NM_001304482.2); short protein forms H127Q, H253Q.
Identifiers: ClinVar variation 2422081 (VCV002422081.7), dbSNP rs139838618, ClinGen allele CA2365445.